The following is an entry in ClinVar:

ClinVar aggregate classification (germline): Uncertain significance (1 of 4 stars; one submission).

Conditions:
Arrhythmogenic right ventricular cardiomyopathy (ARVD). Also called: Arrhythmogenic right ventricular dysplasia; Cardiomyopathy, ARVC; Arrhythmogenic cardiomyopathy; Arrhythmogenic Right Ventricular Cardiomyopathy (ARVC). Identifiers: Orphanet 247, MedGen C0349788, MeSH D019571, MONDO:0016587. Disease mechanism: loss of function. Inheritance: Various modes of inheritance.

Submission:

All of Us Research Program, National Institutes of Health
Classification: Uncertain significance for Arrhythmogenic right ventricular cardiomyopathy. Last evaluated: 2023-12-01. Review status: criteria provided, single submitter. Criteria: ACMG Guidelines, 2015. Collection method: clinical testing. Allele origin: germline. Inheritance: Autosomal dominant inheritance. Observed: 2 variant alleles, 2 heterozygotes.
Comment: This study involves interpretation of variants in research participants for the purpose of population health screening. Participant phenotype was not available at the time of variant classification. Additional details can be found in publication PMID: 35346344, PMCID: PMC8962531

NM_001943.5(DSG2):c.1592T>C (p.Phe531Ser)

Gene: DSG2 (desmoglein 2; plus strand). Cytogenetic location: 18q12.1.
Variant type: single nucleotide variant.
Coding change: c.1592T>C on transcript NM_001943.5 (MANE Select); coding-DNA position 1592, T replaced by C.
Protein change: p.Phe531Ser; replaces phenylalanine 531 with serine.
Molecular consequence: missense variant.
Genome position (GRCh38, 1-based): chr18:31,536,370, T>C. VCF-style: chr18-31536370-T-C. GRCh37 (hg19) VCF-style: chr18-29116333-T-C.
Other names: short protein forms F531S.
Identifiers: ClinVar variation 3073070 (VCV003073070.1), dbSNP rs200484060, ClinGen allele CA402141945.
Genomic context (GRCh38, chr18:31,536,370, plus strand): 5'-AGTATGTGAATGTTACTGCAGAGGACCTGGATGGACACCCAAACAGTGGCCCTTTCAGTT[T>C]CTCCGTCATTGACAAACCACCTGGCATGGCAGAAAAATGGAAAATAGCACGCCAAGAAAG-3'
Protein context (NP_001934.2, residues 521-541): DGHPNSGPFS[Phe531Ser]SVIDKPPGMA